The following is an entry in ClinVar:

ClinVar aggregate classification (germline): Conflicting classifications of pathogenicity. Review status: criteria provided, conflicting classifications (1 of 4 stars). 2 submissions from 2 submitters: Uncertain significance (1); Likely benign (1). Last evaluated 2025-02-25.

Conditions:
Achondrogenesis, type IA (ACG1A). Identifiers: Orphanet 932, Orphanet 93299, MedGen C0265273, MONDO:0008701, OMIM 200600.

Allele frequency attached by ClinVar (database versions not stated): ExAC 0.00003; gnomAD exomes 0.00004 and 0.00008; ESP Exome Variant Server 0.00008; gnomAD 0.00011 and 0.00012; TOPMed 0.00018.
gnomAD v4.1: 125 of 1,613,574 alleles (0.0077%); highest among the groups gnomAD compares: Admixed American, 0.023%; no homozygotes.

Submissions (2):

Labcorp Genetics (formerly Invitae), Labcorp
Classification: Likely benign for Achondrogenesis, type IA. Last evaluated: 2025-02-25. Review status: criteria provided, single submitter. Criteria: Invitae Variant Classification Sherloc (09022015). Collection method: clinical testing. Allele origin: germline.

GeneDx
Classification: Uncertain significance. Last evaluated: 2021-04-01. Review status: criteria provided, single submitter. Criteria: GeneDx Variant Classification Process June 2021. Collection method: clinical testing. Allele origin: germline. Affected: yes.
Comment: Not observed at a significant frequency in large population cohorts (Lek et al., 2016); In silico analysis supports that this variant does not alter splicing; Has not been previously published as pathogenic or benign to our knowledge

NM_004239.4(TRIP11):c.321C>T (p.Ile107=)

Gene: TRIP11 (thyroid hormone receptor interactor 11; minus strand). Cytogenetic location: 14q32.12.
Variant type: single nucleotide variant.
Coding change: c.321C>T on transcript NM_004239.4 (MANE Select); coding-DNA position 321, C replaced by T.
Protein change: p.Ile107=; no amino-acid change (isoleucine 107 retained).
Molecular consequence: synonymous variant.
Genome position (GRCh38, 1-based): chr14:92,021,823, G>A on the plus strand (C>T on the coding strand, the complement: TRIP11 is on the minus strand). VCF-style: chr14-92021823-G-A. GRCh37 (hg19) VCF-style: chr14-92488167-G-A.
Other names: c.318C>T, p.Ile106= (NM_001321851.1).
Identifiers: ClinVar variation 1317891 (VCV001317891.9), dbSNP rs372045593, ClinGen allele CA7314212.